The following is an entry in ClinVar:

NM_001376.5(DYNC1H1):c.9874G>T (p.Ala3292Ser)

Gene: DYNC1H1 (dynein cytoplasmic 1 heavy chain 1; plus strand). Cytogenetic location: 14q32.31.
Variant type: single nucleotide variant.
Coding change: c.9874G>T on transcript NM_001376.5 (MANE Select); coding-DNA position 9874, G replaced by T.
Protein change: p.Ala3292Ser; replaces alanine 3292 with serine.
Molecular consequence: missense variant.
Genome position (GRCh38, 1-based): chr14:102,030,273, G>T. VCF-style: chr14-102030273-G-T. GRCh37 (hg19) VCF-style: chr14-102496610-G-T.
Other names: short protein forms A3292S.
Identifiers: ClinVar variation 1043835 (VCV001043835.8), dbSNP rs2048495474, ClinGen allele CA391018644.

ClinVar aggregate classification (germline): Uncertain significance (1 of 4 stars; one submission).

Conditions:
Charcot-Marie-Tooth disease axonal type 2O. Also called: CHARCOT-MARIE-TOOTH NEUROPATHY, AXONAL, TYPE 2O; CHARCOT-MARIE-TOOTH DISEASE, AXONAL, AUTOSOMAL DOMINANT, TYPE 2O; Charcot-Marie-Tooth Neuropathy Type 2O; Charcot-Marie-Tooth disease, axonal, type 20. Identifiers: Orphanet 284232, MedGen C3280220, MONDO:0013644, OMIM 614228.

Submission:

Labcorp Genetics (formerly Invitae), Labcorp
Classification: Uncertain significance for Charcot-Marie-Tooth disease axonal type 2O. Last evaluated: 2020-06-24. Review status: criteria provided, single submitter. Criteria: Invitae Variant Classification Sherloc (09022015). Collection method: clinical testing. Allele origin: germline.
Comment: In summary, the available evidence is currently insufficient to determine the role of this variant in disease. Therefore, it has been classified as a Variant of Uncertain Significance. Algorithms developed to predict the effect of missense changes on protein structure and function (SIFT, PolyPhen-2, Align-GVGD) all suggest that this variant is likely to be disruptive, but these predictions have not been confirmed by published functional studies and their clinical significance is uncertain. This variant has not been reported in the literature in individuals with DYNC1H1-related conditions. This variant is not present in population databases (ExAC no frequency). This sequence change replaces alanine with serine at codon 3292 of the DYNC1H1 protein (p.Ala3292Ser). The alanine residue is highly conserved and there is a moderate physicochemical difference between alanine and serine.